The following is an entry in ClinVar:

NM_182961.4(SYNE1):c.2404T>C (p.Cys802Arg)

Gene: SYNE1 (spectrin repeat containing nuclear envelope protein 1; minus strand). Cytogenetic location: 6q25.2.
Variant type: single nucleotide variant.
Coding change: c.2404T>C on transcript NM_182961.4 (MANE Select); coding-DNA position 2404, T replaced by C.
Protein change: p.Cys802Arg; replaces cysteine 802 with arginine.
Molecular consequence: missense variant.
Genome position (GRCh38, 1-based): chr6:152,458,921, A>G on the plus strand (T>C on the coding strand, the complement: SYNE1 is on the minus strand). VCF-style: chr6-152458921-A-G. GRCh37 (hg19) VCF-style: chr6-152780056-A-G.
Other names: c.2425T>C, p.Cys809Arg (NM_033071.5); short protein forms C802R, C809R.
Identifiers: ClinVar variation 1418677 (VCV001418677.8), dbSNP rs2098714288, ClinGen allele CA366118240.

ClinVar aggregate classification (germline): Uncertain significance (1 of 4 stars; one submission).

Conditions:
Emery-Dreifuss muscular dystrophy 4, autosomal dominant (EDMD4). Also called: EMERY-DREIFUSS MUSCULAR DYSTROPHY 4 WITH VARIABLE FEATURES. Identifiers: Orphanet 261, MedGen C2751807, MONDO:0013071, OMIM 612998.
Autosomal recessive ataxia, Beauce type. Also called: Spinocerebellar ataxia, autosomal recessive 8; ATAXIA, RECESSIVE, OF BEAUCE; SYNE1 Deficiency; SYNE1-Related Autosomal Recessive Cerebellar Ataxia. Identifiers: Orphanet 88644, MedGen C1853116, MONDO:0012549, OMIM 610743.

gnomAD v4.1: 2 of 1,614,048 alleles (0.00012%); highest among the groups gnomAD compares: Non-Finnish European, 0.00017%; no homozygotes.

Submission:

Labcorp Genetics (formerly Invitae), Labcorp
Classification: Uncertain significance for Emery-Dreifuss muscular dystrophy 4, autosomal dominant; Autosomal recessive ataxia, Beauce type. Last evaluated: 2022-11-12. Review status: criteria provided, single submitter. Criteria: Invitae Variant Classification Sherloc (09022015). Collection method: clinical testing. Allele origin: germline.
Comment: This sequence change replaces cysteine, which is neutral and slightly polar, with arginine, which is basic and polar, at codon 809 of the SYNE1 protein (p.Cys809Arg). This variant is not present in population databases (gnomAD no frequency). This variant has not been reported in the literature in individuals affected with SYNE1-related conditions. ClinVar contains an entry for this variant (Variation ID: 1418677). Algorithms developed to predict the effect of missense changes on protein structure and function output the following: SIFT: "Deleterious"; PolyPhen-2: "Benign"; Align-GVGD: "Class C0". The arginine amino acid residue is found in multiple mammalian species, which suggests that this missense change does not adversely affect protein function. In summary, the available evidence is currently insufficient to determine the role of this variant in disease. Therefore, it has been classified as a Variant of Uncertain Significance.